The following is an entry in ClinVar:

NM_004472.3(FOXD1):c.1260C>T (p.Ala420=)

Gene: FOXD1 (forkhead box D1; minus strand). Cytogenetic location: 5q13.2.
Variant type: single nucleotide variant.
Coding change: c.1260C>T on transcript NM_004472.3 (MANE Select); coding-DNA position 1260, C replaced by T.
Protein change: p.Ala420=; no amino-acid change (alanine 420 retained).
Molecular consequence: synonymous variant.
Genome position (GRCh38, 1-based): chr5:73,447,103, G>A on the plus strand (C>T on the coding strand, the complement: FOXD1 is on the minus strand). VCF-style: chr5-73447103-G-A. GRCh37 (hg19) VCF-style: chr5-72742930-G-A.
Identifiers: ClinVar variation 3029284 (VCV003029284.1), dbSNP rs1356836573, ClinGen allele CA445095508.

ClinVar aggregate classification (germline): Likely benign (1 of 4 stars; one submission).

Conditions:
FOXD1-related disorder. Also called: FOXD1-related condition.

Allele frequency attached by ClinVar (database versions not stated): gnomAD 0.00001.
gnomAD v4.1: 2 of 1,333,814 alleles (0.00015%); highest among the groups gnomAD compares: East Asian, 0.0033%; no homozygotes.

Submission:

PreventionGenetics, part of Exact Sciences
Classification: Likely benign for FOXD1-related condition. Last evaluated: 2021-04-27. Review status: criteria provided, single submitter. Criteria: ACMG Guidelines, 2015. Collection method: clinical testing. Allele origin: germline.
Comment: This variant is classified as likely benign based on ACMG/AMP sequence variant interpretation guidelines (Richards et al. 2015 PMID: 25741868, with internal and published modifications).